The following is an entry in ClinVar:

NM_006231.4(POLE):c.6242C>T (p.Thr2081Ile)

Gene: POLE (DNA polymerase epsilon, catalytic subunit; minus strand). Cytogenetic location: 12q24.33.
Variant type: single nucleotide variant.
Coding change: c.6242C>T on transcript NM_006231.4 (MANE Select); coding-DNA position 6242, C replaced by T.
Protein change: p.Thr2081Ile; replaces threonine 2081 with isoleucine.
Molecular consequence: missense variant.
Genome position (GRCh38, 1-based): chr12:132,632,403, G>A on the plus strand (C>T on the coding strand, the complement: POLE is on the minus strand). VCF-style: chr12-132632403-G-A. GRCh37 (hg19) VCF-style: chr12-133208989-G-A.
Other names: c.6242C>T (NM_006231.2); short protein forms T2081I.
Identifiers: ClinVar variation 2100379 (VCV002100379.5), dbSNP rs2541854016, ClinGen allele CA387369566.

ClinVar aggregate classification (germline): Uncertain significance. Review status: criteria provided, multiple submitters, no conflicts (2 of 4 stars). 2 submissions from 2 submitters: Uncertain significance (2). Last evaluated 2025-03-19.

Conditions:
Hereditary cancer-predisposing syndrome. Also called: Hereditary Cancer Syndrome; Tumor predisposition; Neoplastic Syndromes, Hereditary; Hereditary neoplastic syndrome. Identifiers: Orphanet 140162, MedGen C0027672, MeSH D009386, MONDO:0015356.

Submissions (2):

Ambry Genetics
Classification: Uncertain significance for Hereditary cancer-predisposing syndrome. Last evaluated: 2025-03-19. Review status: criteria provided, single submitter. Criteria: Ambry Variant Classification Scheme 2023. Collection method: clinical testing. Allele origin: germline.
Comment: The p.T2081I variant (also known as c.6242C>T), located in coding exon 45 of the POLE gene, results from a C to T substitution at nucleotide position 6242. The threonine at codon 2081 is replaced by isoleucine, an amino acid with similar properties. This amino acid position is conserved. In addition, this alteration is predicted to be tolerated by in silico analysis. Based on the available evidence, the clinical significance of this variant remains unclear.

Labcorp Genetics (formerly Invitae), Labcorp
Classification: Uncertain significance. Last evaluated: 2022-02-20. Review status: criteria provided, single submitter. Criteria: Invitae Variant Classification Sherloc (09022015). Collection method: clinical testing. Allele origin: germline.
Comment: In summary, the available evidence is currently insufficient to determine the role of this variant in disease. Therefore, it has been classified as a Variant of Uncertain Significance. Algorithms developed to predict the effect of missense changes on protein structure and function (SIFT, PolyPhen-2, Align-GVGD) all suggest that this variant is likely to be tolerated. This variant has not been reported in the literature in individuals affected with POLE-related conditions. This variant is not present in population databases (gnomAD no frequency). This sequence change replaces threonine, which is neutral and polar, with isoleucine, which is neutral and non-polar, at codon 2081 of the POLE protein (p.Thr2081Ile).